The following is an entry in ClinVar:

NM_018474.6(KIZ):c.746C>A (p.Thr249Asn)

Gene: KIZ (kizuna centrosomal protein; plus strand). Cytogenetic location: 20p11.23.
Variant type: single nucleotide variant.
Coding change: c.746C>A on transcript NM_018474.6 (MANE Select); coding-DNA position 746, C replaced by A.
Protein change: p.Thr249Asn; replaces threonine 249 with asparagine.
Molecular consequence: missense variant.
Genome position (GRCh38, 1-based): chr20:21,162,211, C>A. VCF-style: chr20-21162211-C-A. GRCh37 (hg19) VCF-style: chr20-21142852-C-A.
Other names: c.437C>A, p.Thr146Asn (NM_001163022.3, NM_001352435.2); c.347C>A, p.Thr116Asn (NM_001163023.3); c.599C>A, p.Thr200Asn (NM_001276389.2); c.746C>A, p.Thr249Asn (NM_001352434.2); c.404C>A, p.Thr135Asn (NM_001352436.2); short protein forms T116N, T249N, T135N, T146N, T200N.
Identifiers: ClinVar variation 2105411 (VCV002105411.1), dbSNP rs1467615259, ClinGen allele CA408492640.
Genomic context (GRCh38, chr20:21,162,211, plus strand): 5'-CTCTTCAGATTGGTGAGAAAATGCCAGTCACAGCCAGTGTATTGTCTGAGGAGGAACAAA[C>A]TCATTGCTTGGAGATAGGAAGTAACACACGTCATGGCAAGAGTAATTTATCTGAAGGCAA-3'
Protein context (NP_060944.3, residues 239-259): TASVLSEEEQ[Thr249Asn]HCLEIGSNTR

ClinVar aggregate classification (germline): Uncertain significance (1 of 4 stars; one submission).

gnomAD v4.1: 1 of 1,613,634 alleles (0.000062%); highest among the groups gnomAD compares: African/African-American, 0.0013%; no homozygotes.

Submission:

Labcorp Genetics (formerly Invitae), Labcorp
Classification: Uncertain significance. Last evaluated: 2022-09-06. Review status: criteria provided, single submitter. Criteria: Invitae Variant Classification Sherloc (09022015). Collection method: clinical testing. Allele origin: germline.
Comment: This sequence change replaces threonine, which is neutral and polar, with asparagine, which is neutral and polar, at codon 249 of the KIZ protein (p.Thr249Asn). This variant is not present in population databases (gnomAD no frequency). This variant has not been reported in the literature in individuals affected with KIZ-related conditions. Experimental studies and prediction algorithms are not available or were not evaluated, and the functional significance of this variant is currently unknown. In summary, the available evidence is currently insufficient to determine the role of this variant in disease. Therefore, it has been classified as a Variant of Uncertain Significance.